The following is an entry in ClinVar:

ClinVar aggregate classification (germline): Uncertain significance (1 of 4 stars; one submission).

Conditions:
Hereditary cancer-predisposing syndrome. Also called: Tumor predisposition; Hereditary Cancer Syndrome; Hereditary neoplastic syndrome; Neoplastic Syndromes, Hereditary. Identifiers: Orphanet 140162, MedGen C0027672, MeSH D009386, MONDO:0015356.

Submission:

Ambry Genetics
Classification: Uncertain significance for Hereditary cancer-predisposing syndrome. Last evaluated: 2025-10-09. Review status: criteria provided, single submitter. Criteria: Ambry Variant Classification Scheme 2023. Collection method: clinical testing. Allele origin: germline.
Comment: The p.G158A variant (also known as c.473G>C), located in coding exon 4 of the SUFU gene, results from a G to C substitution at nucleotide position 473. The glycine at codon 158 is replaced by alanine, an amino acid with similar properties. This amino acid position is conserved. In addition, this alteration is predicted to be deleterious by in silico analysis. Based on the available evidence, the clinical significance of this variant remains unclear.

NM_016169.4(SUFU):c.473G>C (p.Gly158Ala)

Gene: SUFU (SUFU negative regulator of hedgehog signaling; plus strand). Cytogenetic location: 10q24.32.
Variant type: single nucleotide variant.
Coding change: c.473G>C on transcript NM_016169.4 (MANE Select); coding-DNA position 473, G replaced by C.
Protein change: p.Gly158Ala; replaces glycine 158 with alanine.
Molecular consequence: missense variant.
Genome position (GRCh38, 1-based): chr10:102,592,600, G>C. VCF-style: chr10-102592600-G-C. GRCh37 (hg19) VCF-style: chr10-104352357-G-C.
Other names: c.473G>C, p.Gly158Ala (NM_001178133.2); short protein forms G158A.
Identifiers: ClinVar variation 4551671 (VCV004551671.1).
Genomic context (GRCh38, chr10:102,592,600, plus strand): 5'-CTGGGGCCTTGAACAATGAGGATCCTTGTATCTCTCCCACAGAGAACACCTTCTGCAGTG[G>C]GGACCATGTGTCCTGGCACAGCCCTTTGGATAACAGTGAGTCAAGAATTCAGCACATGCT-3'
Protein context (NP_057253.2, residues 148-168): VFQSENTFCS[Gly158Ala]DHVSWHSPLD